The following is an entry in ClinVar:

ClinVar aggregate classification (germline): Uncertain significance. Review status: criteria provided, multiple submitters, no conflicts (2 of 4 stars). 2 submissions from 2 submitters: Uncertain significance (2). Last evaluated 2023-12-27.

Conditions:
Deficiency of hyaluronoglucosaminidase (MPS9). Also called: MPS IX; Mucopolysaccharidosis type 9; HYALURONIDASE DEFICIENCY. Identifiers: Orphanet 67041, MedGen C1291490, MONDO:0011093, OMIM 601492.

Allele frequency attached by ClinVar (database versions not stated): gnomAD 0.00005; ESP Exome Variant Server 0.00008; TOPMed 0.00009; ExAC 0.00012; gnomAD exomes 0.00022.
gnomAD v4.1: 335 of 1,613,900 alleles (0.021%); highest among the groups gnomAD compares: Non-Finnish European, 0.027%; no homozygotes.

Submissions (2):

Ambry Genetics
Classification: Uncertain significance. Last evaluated: 2023-12-27. Review status: criteria provided, single submitter. Criteria: Ambry Variant Classification Scheme 2023. Collection method: clinical testing. Allele origin: germline.

Labcorp Genetics (formerly Invitae), Labcorp
Classification: Uncertain significance for Deficiency of hyaluronoglucosaminidase. Last evaluated: 2022-08-31. Review status: criteria provided, single submitter. Criteria: Invitae Variant Classification Sherloc (09022015). Collection method: clinical testing. Allele origin: germline.
Comment: This sequence change replaces aspartic acid, which is acidic and polar, with glycine, which is neutral and non-polar, at codon 52 of the HYAL1 protein (p.Asp52Gly). This variant is present in population databases (rs373151677, gnomAD 0.02%). This variant has not been reported in the literature in individuals affected with HYAL1-related conditions. Algorithms developed to predict the effect of missense changes on protein structure and function are either unavailable or do not agree on the potential impact of this missense change (SIFT: "Deleterious"; PolyPhen-2: "Probably Damaging"; Align-GVGD: "Class C0"). In summary, the available evidence is currently insufficient to determine the role of this variant in disease. Therefore, it has been classified as a Variant of Uncertain Significance.

NM_033159.4(HYAL1):c.155A>G (p.Asp52Gly)

Gene: HYAL1 (hyaluronidase 1; minus strand). Cytogenetic location: 3p21.31.
Variant type: single nucleotide variant.
Coding change: c.155A>G on transcript NM_033159.4 (MANE Select); coding-DNA position 155, A replaced by G.
Protein change: p.Asp52Gly; replaces aspartic acid 52 with glycine.
Molecular consequence: missense variant. On other transcripts: non-coding transcript variant (1), intron variant (2).
Genome position (GRCh38, 1-based): chr3:50,302,802, T>C on the plus strand (A>G on the coding strand, the complement: HYAL1 is on the minus strand). VCF-style: chr3-50302802-T-C. GRCh37 (hg19) VCF-style: chr3-50340233-T-C.
Other names: c.155A>G, p.Asp52Gly (NM_007312.3, NM_153281.2, NM_153282.3); c.-26-597A>G (NM_153285.3); c.-213-179A>G (NM_153283.3); c.155A>G (NM_153281.1); short protein forms D52G.
Identifiers: ClinVar variation 2199871 (VCV002199871.2), dbSNP rs373151677, ClinGen allele CA2416001.